The following is an entry in ClinVar:

ClinVar aggregate classification (germline): Pathogenic (1 of 4 stars; one submission).

Allele frequency attached by ClinVar (database versions not stated): gnomAD exomes below 0.00001; ExAC 0.00001; gnomAD 0.00001; TOPMed 0.00001; ESP Exome Variant Server 0.00008.
gnomAD v4.1: 34 of 1,603,126 alleles (0.0021%); highest among the groups gnomAD compares: Non-Finnish European, 0.0027%; no homozygotes.

Submission:

Labcorp Genetics (formerly Invitae), Labcorp
Classification: Pathogenic. Last evaluated: 2021-01-15. Review status: criteria provided, single submitter. Criteria: Invitae Variant Classification Sherloc (09022015). Collection method: clinical testing. Allele origin: germline.
Comment: This sequence change creates a premature translational stop signal (p.Arg428*) in the LAMC3 gene. It is expected to result in an absent or disrupted protein product. Loss-of-function variants in LAMC3 are known to be pathogenic (PMID: 21572413, 26802095). This variant is present in population databases (rs141823760, ExAC 0.002%). This variant has not been reported in the literature in individuals with LAMC3-related conditions. Algorithms developed to predict the effect of sequence changes on RNA splicing suggest that this variant may disrupt the consensus splice site, but this prediction has not been confirmed by published transcriptional studies. For these reasons, this variant has been classified as Pathogenic.

Literature cited by the submitters: PubMed 21572413; PubMed 26802095.

NM_006059.4(LAMC3):c.1282A>T (p.Arg428Ter)

Gene: LAMC3 (laminin subunit gamma 3; plus strand). Cytogenetic location: 9q34.12.
Variant type: single nucleotide variant.
Coding change: c.1282A>T on transcript NM_006059.4 (MANE Select); coding-DNA position 1282, A replaced by T.
Protein change: p.Arg428Ter; replaces arginine 428 with a stop codon.
Molecular consequence: nonsense.
Genome position (GRCh38, 1-based): chr9:131,039,247, A>T. VCF-style: chr9-131039247-A-T. GRCh37 (hg19) VCF-style: chr9-133914634-A-T.
Other names: short protein forms R428*.
Identifiers: ClinVar variation 1371535 (VCV001371535.6), dbSNP rs141823760, ClinGen allele CA5287007.